The following is an entry in ClinVar:

ClinVar aggregate classification (germline): Uncertain significance. Review status: criteria provided, multiple submitters, no conflicts (2 of 4 stars). 3 submissions from 3 submitters: Uncertain significance (3). Last evaluated 2025-08-13.

Conditions:
Inborn genetic diseases. Identifiers: MedGen C0950123, MeSH D030342.

Allele frequency attached by ClinVar (database versions not stated): ExAC 0.00001; gnomAD exomes 0.00001; TOPMed 0.00003.

Submissions (3):

Ambry Genetics
Classification: Uncertain significance for Inborn genetic diseases. Last evaluated: 2025-08-13. Review status: criteria provided, single submitter. Criteria: Ambry Variant Classification Scheme 2023. Collection method: clinical testing. Allele origin: germline.

Labcorp Genetics (formerly Invitae), Labcorp
Classification: Uncertain significance. Last evaluated: 2025-04-16. Review status: criteria provided, single submitter. Criteria: Invitae Variant Classification Sherloc (09022015). Collection method: clinical testing. Allele origin: germline.
Comment: This sequence change replaces methionine, which is neutral and non-polar, with threonine, which is neutral and polar, at codon 186 of the FRMD7 protein (p.Met186Thr). This variant is present in population databases (rs764774914, gnomAD 0.006%). This variant has not been reported in the literature in individuals affected with FRMD7-related conditions. ClinVar contains an entry for this variant (Variation ID: 2334762). An algorithm developed to predict the effect of missense changes on protein structure and function (PolyPhen-2) suggests that this variant is likely to be disruptive. This variant disrupts the p.Met186 amino acid residue in FRMD7. Other variant(s) that disrupt this residue have been determined to be pathogenic (PMID: 25916882). This suggests that this residue is clinically significant, and that variants that disrupt this residue are likely to be disease-causing. In summary, the available evidence is currently insufficient to determine the role of this variant in disease. Therefore, it has been classified as a Variant of Uncertain Significance.

Women's Health and Genetics/Laboratory Corporation of America, LabCorp
Classification: Uncertain significance. Last evaluated: 2024-01-03. Review status: criteria provided, single submitter. Criteria: LabCorp Variant Classification Summary - May 2015. Collection method: clinical testing. Allele origin: germline.
Comment: Variant summary: FRMD7 c.557T>C (p.Met186Thr) results in a non-conservative amino acid change located in the FERM domain (IPR000299) of the encoded protein sequence. Three of five in-silico tools predict a benign effect of the variant on protein function. The variant allele was found at a frequency of 5.5e-06 in 183155 control chromosomes. The available data on variant occurrences in the general population are insufficient to allow any conclusion about variant significance. To our knowledge, no occurrence of c.557T>C in individuals affected with Nystagmus 1, Congenital, X-Linked and no experimental evidence demonstrating its impact on protein function have been reported. One submitter has cited clinical-significance assessments for this variant to ClinVar after 2014 and has classified the variant as uncertain significance. Based on the evidence outlined above, the variant was classified as uncertain significance.

Literature cited by the submitters: PubMed 25916882 (cited by Labcorp Genetics (formerly Invitae), Labcorp).

NM_194277.3(FRMD7):c.557T>C (p.Met186Thr)

Gene: FRMD7 (FERM domain containing 7; minus strand). Cytogenetic location: Xq26.2.
Variant type: single nucleotide variant.
Coding change: c.557T>C on transcript NM_194277.3 (MANE Select); coding-DNA position 557, T replaced by C.
Protein change: p.Met186Thr; replaces methionine 186 with threonine.
Molecular consequence: missense variant.
Genome position (GRCh38, 1-based): chrX:132,085,669, A>G on the plus strand (T>C on the coding strand, the complement: FRMD7 is on the minus strand). VCF-style: chrX-132085669-A-G. GRCh37 (hg19) VCF-style: chrX-131219697-A-G.
Other names: c.512T>C, p.Met171Thr (NM_001306193.2); short protein forms M186T, M171T.
Identifiers: ClinVar variation 2334762 (VCV002334762.6), dbSNP rs764774914, ClinGen allele CA10519014.